The following is an entry in ClinVar:

ClinVar aggregate classification (germline): Uncertain significance (1 of 4 stars; one submission).

Conditions:
Familial thoracic aortic aneurysm and aortic dissection (TAAD). Also called: Thoracic aortic aneurysms and dissections. Identifiers: Orphanet 91387, MedGen C4707243, MONDO:0019625.

Submission:

Color Diagnostics, LLC DBA Color Health
Classification: Uncertain significance for Familial thoracic aortic aneurysm and aortic dissection. Last evaluated: 2023-12-05. Review status: criteria provided, single submitter. Criteria: ACMG Guidelines, 2015. Collection method: clinical testing. Allele origin: germline.
Comment: This missense variant replaces proline with leucine at codon 373 of the COL3A1 protein. Computational prediction tools and conservation analyses are inconclusive regarding the impact of this variant on the protein function. Computational splicing tools suggest that this variant may not impact RNA splicing. To our knowledge, functional assays have not been performed for this variant nor has this variant been reported in individuals affected with cardiovascular disorders in the literature. This variant has not been identified in the general population by the Genome Aggregation Database (gnomAD). Available evidence is insufficient to determine the role of this variant in disease conclusively. Therefore, this variant is classified as a Variant of Uncertain Significance.

NM_000090.4(COL3A1):c.1118C>T (p.Pro373Leu)

Gene: COL3A1 (collagen type III alpha 1 chain; plus strand). Cytogenetic location: 2q32.2.
Variant type: single nucleotide variant.
Coding change: c.1118C>T on transcript NM_000090.4 (MANE Select); coding-DNA position 1118, C replaced by T.
Protein change: p.Pro373Leu; replaces proline 373 with leucine.
Molecular consequence: missense variant.
Genome position (GRCh38, 1-based): chr2:188,993,428, C>T. VCF-style: chr2-188993428-C-T. GRCh37 (hg19) VCF-style: chr2-189858154-C-T.
Other names: short protein forms P373L.
Identifiers: ClinVar variation 922529 (VCV000922529.5), dbSNP rs1688230677, ClinGen allele CA349850999.